The following is an entry in ClinVar:

ClinVar aggregate classification (germline): Uncertain significance (1 of 4 stars; one submission).

gnomAD v4.1: 17 of 1,605,604 alleles (0.0011%); highest among the groups gnomAD compares: Admixed American, 0.0017%; no homozygotes.

Submission:

GeneDx
Classification: Uncertain significance. Last evaluated: 2025-08-11. Review status: criteria provided, single submitter. Criteria: GeneDx Variant Classification Process June 2021. Collection method: clinical testing. Allele origin: germline. Affected: yes.
Comment: In silico analysis suggests that this missense variant does not alter protein structure/function; Has not been previously published as pathogenic or benign to our knowledge

NM_005883.3(APC2):c.6811C>T (p.Pro2271Ser)

Gene: APC2 (APC regulator of Wnt signaling pathway 2; plus strand). Cytogenetic location: 19p13.3.
Variant type: single nucleotide variant.
Coding change: c.6811C>T on transcript NM_005883.3 (MANE Select); coding-DNA position 6811, C replaced by T.
Protein change: p.Pro2271Ser; replaces proline 2271 with serine.
Molecular consequence: missense variant.
Genome position (GRCh38, 1-based): chr19:1,470,112, C>T. VCF-style: chr19-1470112-C-T. GRCh37 (hg19) VCF-style: chr19-1470111-C-T.
Other names: c.6808C>T, p.Pro2270Ser (NM_001351273.1); short protein forms P2270S, P2271S.
Identifiers: ClinVar variation 4795707 (VCV004795707.1).